The following is an entry in ClinVar:

ClinVar aggregate classification (germline): Uncertain significance (1 of 4 stars; one submission).

Submission:

Labcorp Genetics (formerly Invitae), Labcorp
Classification: Uncertain significance. Last evaluated: 2023-07-10. Review status: criteria provided, single submitter. Criteria: Invitae Variant Classification Sherloc (09022015). Collection method: clinical testing. Allele origin: germline.
Comment: In summary, the available evidence is currently insufficient to determine the role of this variant in disease. Therefore, it has been classified as a Variant of Uncertain Significance. Algorithms developed to predict the effect of missense changes on protein structure and function output the following: SIFT: "Not Available"; PolyPhen-2: "Benign"; Align-GVGD: "Not Available". The leucine amino acid residue is found in multiple mammalian species, which suggests that this missense change does not adversely affect protein function. ClinVar contains an entry for this variant (Variation ID: 1392529). This variant has not been reported in the literature in individuals affected with NLRP1-related conditions. This variant is not present in population databases (gnomAD no frequency). This sequence change replaces arginine, which is basic and polar, with leucine, which is neutral and non-polar, at codon 308 of the NLRP1 protein (p.Arg308Leu).

NM_033004.4(NLRP1):c.923G>T (p.Arg308Leu)

Gene: NLRP1 (NLR family pyrin domain containing 1; minus strand). Cytogenetic location: 17p13.2.
Variant type: single nucleotide variant.
Coding change: c.923G>T on transcript NM_033004.4 (MANE Select); coding-DNA position 923, G replaced by T.
Protein change: p.Arg308Leu; replaces arginine 308 with leucine.
Molecular consequence: missense variant.
Genome position (GRCh38, 1-based): chr17:5,559,773, C>A on the plus strand (G>T on the coding strand, the complement: NLRP1 is on the minus strand). VCF-style: chr17-5559773-C-A. GRCh37 (hg19) VCF-style: chr17-5463093-C-A.
Other names: c.923G>T, p.Arg308Leu (NM_001033053.3, NM_014922.5, NM_033006.4 and 1 more transcripts); short protein forms R308L.
Identifiers: ClinVar variation 1392529 (VCV001392529.6), dbSNP rs140628502, ClinGen allele CA397387618.